The following is an entry in ClinVar:

NM_014363.6(SACS):c.2503C>T (p.Gln835Ter)

Gene: SACS (sacsin molecular chaperone; minus strand). Cytogenetic location: 13q12.12.
Variant type: single nucleotide variant.
Coding change: c.2503C>T on transcript NM_014363.6 (MANE Select); coding-DNA position 2503, C replaced by T.
Protein change: p.Gln835Ter; replaces glutamine 835 with a stop codon.
Molecular consequence: nonsense.
Genome position (GRCh38, 1-based): chr13:23,341,373, G>A on the plus strand (C>T on the coding strand, the complement: SACS is on the minus strand). VCF-style: chr13-23341373-G-A. GRCh37 (hg19) VCF-style: chr13-23915512-G-A.
Other names: c.2062C>T, p.Gln688Ter (NM_001278055.2); short protein forms Q688*, Q835*.
Identifiers: ClinVar variation 2678504 (VCV002678504.3), dbSNP rs2542312385, ClinGen allele CA387538889.
Genomic context (GRCh38, chr13:23,341,373, plus strand): 5'-ATTTTTTAAGGACAAACCCTCCAAGTTTTTGTACAATGTCTGCTAAAAATTCTGGAAGCT[G>A]TGCTTCAGATTCATCGTCTAAAATGACTAACGATGGAATCCTGAGTCTAATGAGTTCCAC-3'

ClinVar aggregate classification (germline): Pathogenic/Likely pathogenic. Review status: criteria provided, multiple submitters, no conflicts (2 of 4 stars). 2 submissions from 2 submitters: Pathogenic (1); Likely pathogenic (1). Last evaluated 2024-02-09.

Conditions:
Charlevoix-Saguenay spastic ataxia (SACS). Also called: Spastic ataxia of Charlevoix-Saguenay; AUTOSOMAL RECESSIVE SPASTIC ATAXIA OF CHARLEVOIX-SAGUENAY; SPASTIC ATAXIA 6, AUTOSOMAL RECESSIVE. Identifiers: Orphanet 98, MedGen C1849140, MONDO:0010041, OMIM 270550.
Spastic paraplegia. Identifiers: MedGen C0037772, HP:0001258.

Submissions (2):

Labcorp Genetics (formerly Invitae), Labcorp
Classification: Pathogenic for Spastic paraplegia. Last evaluated: 2024-02-09. Review status: criteria provided, single submitter. Criteria: Invitae Variant Classification Sherloc (09022015). Collection method: clinical testing. Allele origin: germline.
Comment: This sequence change creates a premature translational stop signal (p.Gln835*) in the SACS gene. While this is not anticipated to result in nonsense mediated decay, it is expected to disrupt the last 3745 amino acid(s) of the SACS protein. This variant is not present in population databases (gnomAD no frequency). This variant has not been reported in the literature in individuals affected with SACS-related conditions. This variant disrupts a region of the SACS protein in which other variant(s) (p.Asn4549Asp) have been determined to be pathogenic (PMID: 15156359, 21507954). This suggests that this is a clinically significant region of the protein, and that variants that disrupt it are likely to be disease-causing. For these reasons, this variant has been classified as Pathogenic.

Baylor Genetics
Classification: Likely pathogenic for Charlevoix-Saguenay spastic ataxia. Last evaluated: 2023-09-27. Review status: criteria provided, single submitter. Criteria: ACMG Guidelines, 2015. Collection method: clinical testing. Allele origin: unknown.

Literature cited by the submitters: PubMed 15156359 (cited by Labcorp Genetics (formerly Invitae), Labcorp); PubMed 21507954 (cited by Labcorp Genetics (formerly Invitae), Labcorp).